The following is an entry in ClinVar:

NM_002755.4(MAP2K1):c.1069G>A (p.Val357Ile)

Genes: MAP2K1 (mitogen-activated protein kinase kinase 1; plus strand), SNAPC5 (small nuclear RNA activating complex polypeptide 5; minus strand). Cytogenetic location: 15q22.31.
Variant type: single nucleotide variant.
Coding change: c.1069G>A on transcript NM_002755.4 (MANE Select); coding-DNA position 1069, G replaced by A.
Protein change: p.Val357Ile; replaces valine 357 with isoleucine.
Molecular consequence: missense variant. On other transcripts: 3 prime UTR variant (1), non-coding transcript variant (1).
Genome position (GRCh38, 1-based): chr15:66,490,502, G>A. VCF-style: chr15-66490502-G-A. GRCh37 (hg19) VCF-style: chr15-66782840-G-A.
Other names: c.*237C>T (NM_006049.4); c.925G>A, p.Val309Ile (NM_001411065.1); short protein forms V309I, V357I.
Identifiers: ClinVar variation 4279718 (VCV004279718.1).

ClinVar aggregate classification (germline): Uncertain significance (1 of 4 stars; one submission).

Conditions:
Cardiofaciocutaneous syndrome 3 (CFC3). Also called: MAP2K1-Related Cardiofaciocutaneous Syndrome. Identifiers: Orphanet 1340, MedGen C3809006, MONDO:0014113, OMIM 615279.

gnomAD v4.1: 7 of 1,607,340 alleles (0.00044%); highest among the groups gnomAD compares: East Asian, 0.011%; no homozygotes.

Submission:

Clinical Genomics Laboratory, Washington University in St. Louis
Classification: Uncertain significance for Cardiofaciocutaneous syndrome 3. Last evaluated: 2025-03-11. Review status: criteria provided, single submitter. Criteria: ACMG Guidelines, 2015. Collection method: clinical testing. Allele origin: germline.
Comment: A MAP2K1 c.1069G>A (p.Val357Ile) variant was identified at a near heterozygous allelic fraction of 47.8%, a frequency which may be consistent with it being of germline origin. This variant has been reported in the germline state in one patient affected with congenital melanocytic nevus, whom also has a somatic variant in the BRAF gene (Zou Y et al., PMID: 32847629). It is only observed in 7/1,607,340 alleles in the general population (gnomAD v4.1.0). Computational predictors indicate that the variant does not impact MAP2K1 function. The MAP2K1 gene is defined by the ClinGen RASopathy Variant Curation Expert Panel as a gene that has a low rate of benign missense variation and where pathogenic missense variants are a common mechanism of disease. Due to limited information and based on the ClinGen RASopathy Variant Curation Expert Panel (Gelb BD et al., PMID: 29493581), the clinical significance of this variant is uncertain at this time.